The following is an entry in ClinVar:

NM_001243133.2(NLRP3):c.1654C>G (p.Pro552Ala)

Gene: NLRP3 (NLR family pyrin domain containing 3; plus strand). Cytogenetic location: 1q44.
Variant type: single nucleotide variant.
Coding change: c.1654C>G on transcript NM_001243133.2 (MANE Select); coding-DNA position 1654, C replaced by G.
Protein change: p.Pro552Ala; replaces proline 552 with alanine.
Molecular consequence: missense variant.
Genome position (GRCh38, 1-based): chr1:247,425,103, C>G. VCF-style: chr1-247425103-C-G. GRCh37 (hg19) VCF-style: chr1-247588405-C-G.
Other names: c.1654C>G, p.Pro552Ala (NM_001079821.3, NM_001127461.3, NM_001127462.3 and 1 more transcripts); c.1660C>G, p.Pro554Ala (NM_004895.5); short protein forms P554A, P552A.
Identifiers: ClinVar variation 3583299 (VCV003583299.3).

ClinVar aggregate classification (germline): Uncertain significance. Review status: criteria provided, multiple submitters, no conflicts (2 of 4 stars). 2 submissions from 2 submitters: Uncertain significance (2). Last evaluated 2024-07-08.

Conditions:
Familial amyloid nephropathy with urticaria AND deafness (MWS). Also called: UDA SYNDROME; URTICARIA-DEAFNESS-AMYLOIDOSIS SYNDROME; MUCKLE-WELLS SYNDROME; Urticaria, deafness and amyloidosis; CRYOPYRIN-ASSOCIATED PERIODIC SYNDROME 2. Identifiers: Orphanet 575, MedGen C0268390, MONDO:0008633, OMIM 191900.
Chronic infantile neurological, cutaneous and articular syndrome (CINCA). Also called: CHRONIC NEUROLOGIC CUTANEOUS AND ARTICULAR SYNDROME; CINCA syndrome; Prieur Griscelli syndrome; CRYOPYRIN-ASSOCIATED PERIODIC SYNDROME 3. Identifiers: Orphanet 1451, MedGen C0409818, MONDO:0011776, OMIM 607115.
Hearing loss, autosomal dominant 34, with or without inflammation. Also called: DEAFNESS, AUTOSOMAL DOMINANT 34, WITH OR WITHOUT INFLAMMATION. Identifiers: MedGen C4521680, MONDO:0033261, OMIM 617772.
Familial cold autoinflammatory syndrome 1 (FCAS1). Also called: CRYOPYRIN-ASSOCIATED PERIODIC SYNDROME 1; Familial cold inflammatory syndrome 1. Identifiers: Orphanet 47045, MedGen C4551895, MONDO:0007349, OMIM 120100.
Keratitis fugax hereditaria. Also called: KERATOENDOTHELIITIS FUGAX HEREDITARIA. Identifiers: Orphanet 647815, MedGen C1835697, MONDO:0007849, OMIM 148200.
Cryopyrin associated periodic syndrome (CAPS). Identifiers: Orphanet 208650, MedGen C2316212, MONDO:0016168.

gnomAD v4.1: 7 of 1,613,244 alleles (0.00043%); highest among the groups gnomAD compares: South Asian, 0.0077%; no homozygotes.

Submissions (2):

Labcorp Genetics (formerly Invitae), Labcorp
Classification: Uncertain significance for Cryopyrin associated periodic syndrome. Last evaluated: 2024-07-08. Review status: criteria provided, single submitter. Criteria: Invitae Variant Classification Sherloc (09022015). Collection method: clinical testing. Allele origin: germline.
Comment: This sequence change replaces proline, which is neutral and non-polar, with alanine, which is neutral and non-polar, at codon 554 of the NLRP3 protein (p.Pro554Ala). This variant is present in population databases (rs774090228, gnomAD 0.006%). This variant has not been reported in the literature in individuals affected with NLRP3-related conditions. Advanced modeling of protein sequence and biophysical properties (such as structural, functional, and spatial information, amino acid conservation, physicochemical variation, residue mobility, and thermodynamic stability) has been performed at Invitae for this missense variant, however the output from this modeling did not meet the statistical confidence thresholds required to predict the impact of this variant on NLRP3 protein function. In summary, the available evidence is currently insufficient to determine the role of this variant in disease. Therefore, it has been classified as a Variant of Uncertain Significance.

Fulgent Genetics
Classification: Uncertain significance for Familial cold autoinflammatory syndrome 1; Keratitis fugax hereditaria; Familial amyloid nephropathy with urticaria AND deafness; Chronic infantile neurological, cutaneous and articular syndrome; Hearing loss, autosomal dominant 34, with or without inflammation. Last evaluated: 2024-01-31. Review status: criteria provided, single submitter. Criteria: ACMG Guidelines, 2015. Collection method: clinical testing. Allele origin: germline.